The following is an entry in ClinVar:

NM_022773.4(LMF1):c.435C>T (p.Cys145=)

Gene: LMF1 (lipase maturation factor 1; minus strand). Cytogenetic location: 16p13.3.
Variant type: single nucleotide variant.
Coding change: c.435C>T on transcript NM_022773.4 (MANE Select); coding-DNA position 435, C replaced by T.
Protein change: p.Cys145=; no amino-acid change (cysteine 145 retained).
Molecular consequence: synonymous variant. On other transcripts: 5 prime UTR variant (3), non-coding transcript variant (1).
Genome position (GRCh38, 1-based): chr16:954,425, G>A on the plus strand (C>T on the coding strand, the complement: LMF1 is on the minus strand). VCF-style: chr16-954425-G-A. GRCh37 (hg19) VCF-style: chr16-1004425-G-A.
Other names: p.Cys145=; c.-369C>T (NM_001352017.2); c.-120C>T (NM_001352018.2); c.108C>T, p.Cys36= (NM_001352019.2); c.435C>T, p.Cys145= (NM_001352020.1); c.-271C>T (NM_001352021.2).
Identifiers: ClinVar variation 736249 (VCV000736249.9), dbSNP rs372788807, ClinGen allele CA7797645.

ClinVar aggregate classification (germline): Likely benign. Review status: criteria provided, multiple submitters, no conflicts (2 of 4 stars). 3 submissions from 3 submitters: Likely benign (3). Last evaluated 2025-11-03.

Conditions:
Cardiovascular phenotype. Identifiers: MedGen CN230736.

Allele frequency attached by ClinVar (database versions not stated): gnomAD 0.00004 and 0.00006; TOPMed 0.00005; gnomAD exomes 0.00014 and 0.00024; ESP Exome Variant Server 0.00016; ExAC 0.00023.
gnomAD v4.1: 219 of 1,612,658 alleles (0.014%); highest among the groups gnomAD compares: South Asian, 0.15%; 1 homozygote.

Submissions (3):

Labcorp Genetics (formerly Invitae), Labcorp
Classification: Likely benign. Last evaluated: 2025-11-03. Review status: criteria provided, single submitter. Criteria: Invitae Variant Classification Sherloc (09022015). Collection method: clinical testing. Allele origin: germline.

Mayo Clinic Laboratories, Mayo Clinic
Classification: Likely benign. Last evaluated: 2025-04-18. Review status: criteria provided, single submitter. Criteria: ACMG Guidelines, 2015. Collection method: clinical testing. Allele origin: germline. Observed: 1 variant allele.
Comment: BS1, BP4, BP7

Ambry Genetics
Classification: Likely benign for Cardiovascular phenotype. Last evaluated: 2022-03-09. Review status: criteria provided, single submitter. Criteria: Ambry Variant Classification Scheme 2023. Collection method: clinical testing. Allele origin: germline.